The following is an entry in ClinVar:

ClinVar aggregate classification (germline): Uncertain significance (1 of 4 stars; one submission).

Conditions:
Arrhythmogenic right ventricular dysplasia 5. Also called: Arrhythmogenic Right Ventricular Dysplasia/Cardiomyopathy 5; ARRHYTHMOGENIC RIGHT VENTRICULAR DYSPLASIA, FAMILIAL, 5. Identifiers: MedGen C1858379, MONDO:0011459, OMIM 604400.

Submission:

Labcorp Genetics (formerly Invitae), Labcorp
Classification: Uncertain significance for Arrhythmogenic right ventricular dysplasia 5. Last evaluated: 2024-02-20. Review status: criteria provided, single submitter. Criteria: Invitae Variant Classification Sherloc (09022015). Collection method: clinical testing. Allele origin: germline.
Comment: This sequence change replaces aspartic acid, which is acidic and polar, with histidine, which is basic and polar, at codon 217 of the TMEM43 protein (p.Asp217His). This variant is not present in population databases (gnomAD no frequency). This variant has not been reported in the literature in individuals affected with TMEM43-related conditions. Advanced modeling of protein sequence and biophysical properties (such as structural, functional, and spatial information, amino acid conservation, physicochemical variation, residue mobility, and thermodynamic stability) performed at Invitae indicates that this missense variant is not expected to disrupt TMEM43 protein function with a negative predictive value of 80%. In summary, the available evidence is currently insufficient to determine the role of this variant in disease. Therefore, it has been classified as a Variant of Uncertain Significance.

NM_024334.3(TMEM43):c.649G>C (p.Asp217His)

Gene: TMEM43 (transmembrane protein 43; plus strand). Cytogenetic location: 3p25.1.
Variant type: single nucleotide variant.
Coding change: c.649G>C on transcript NM_024334.3 (MANE Select); coding-DNA position 649, G replaced by C.
Protein change: p.Asp217His; replaces aspartic acid 217 with histidine.
Molecular consequence: missense variant.
Genome position (GRCh38, 1-based): chr3:14,134,835, G>C. VCF-style: chr3-14134835-G-C. GRCh37 (hg19) VCF-style: chr3-14176335-G-C.
Other names: c.652G>C, p.Asp218His (NM_001407274.1); c.649G>C, p.Asp217His (NM_001407275.1, NM_001407276.1, NM_001407277.1 and 1 more transcripts); c.634G>C, p.Asp212His (NM_001407278.1); c.499G>C, p.Asp167His (NM_001407280.1); short protein forms D167H, D212H, D218H, D217H.
Identifiers: ClinVar variation 3642243 (VCV003642243.2).